The following is an entry in ClinVar:

ClinVar aggregate classification (germline): Uncertain significance (1 of 4 stars; one submission).

Submission:

Labcorp Genetics (formerly Invitae), Labcorp
Classification: Uncertain significance. Last evaluated: 2024-02-24. Review status: criteria provided, single submitter. Criteria: Invitae Variant Classification Sherloc (09022015). Collection method: clinical testing. Allele origin: germline.
Comment: This sequence change replaces tryptophan, which is neutral and slightly polar, with cysteine, which is neutral and slightly polar, at codon 2151 of the PRPF8 protein (p.Trp2151Cys). This variant is not present in population databases (gnomAD no frequency). This variant has not been reported in the literature in individuals affected with PRPF8-related conditions. ClinVar contains an entry for this variant (Variation ID: 1419625). Advanced modeling of protein sequence and biophysical properties (such as structural, functional, and spatial information, amino acid conservation, physicochemical variation, residue mobility, and thermodynamic stability) performed at Invitae indicates that this missense variant is not expected to disrupt PRPF8 protein function with a negative predictive value of 80%. In summary, the available evidence is currently insufficient to determine the role of this variant in disease. Therefore, it has been classified as a Variant of Uncertain Significance.

NM_006445.4(PRPF8):c.6453G>C (p.Trp2151Cys)

Gene: PRPF8 (pre-mRNA processing factor 8; minus strand). Cytogenetic location: 17p13.3.
Variant type: single nucleotide variant.
Coding change: c.6453G>C on transcript NM_006445.4 (MANE Select); coding-DNA position 6453, G replaced by C.
Protein change: p.Trp2151Cys; replaces tryptophan 2151 with cysteine.
Molecular consequence: missense variant.
Genome position (GRCh38, 1-based): chr17:1,651,705, C>G on the plus strand (G>C on the coding strand, the complement: PRPF8 is on the minus strand). VCF-style: chr17-1651705-C-G. GRCh37 (hg19) VCF-style: chr17-1554999-C-G.
Other names: short protein forms W2151C.
Identifiers: ClinVar variation 1419625 (VCV001419625.6), dbSNP rs2151109782, ClinGen allele CA397565149.
Genomic context (GRCh38, chr17:1,651,705, plus strand): 5'-TACCTTGAGGTACTCATGCTGGGGCAGCTGGCCAGGCAGGTGCACGGTCTGGTGAGTGCC[C>G]CACTGCGGCACCATCACAATGCAGCGGATCTCCTTCACCTGGGGGTTATCTGGTGGGCTC-3'
Protein context (NP_006436.3, residues 2141-2161): EIRCIVMVPQ[Trp2151Cys]GTHQTVHLPG